The following is an entry in ClinVar:

NM_007194.4(CHEK2):c.1102G>A (p.Asp368Asn)

Gene: CHEK2 (checkpoint kinase 2; minus strand). Cytogenetic location: 22q12.1.
Variant type: single nucleotide variant.
Coding change: c.1102G>A on transcript NM_007194.4 (MANE Select); coding-DNA position 1102, G replaced by A.
Protein change: p.Asp368Asn; replaces aspartic acid 368 with asparagine.
Molecular consequence: missense variant.
Genome position (GRCh38, 1-based): chr22:28,695,867, C>T on the plus strand (G>A on the coding strand, the complement: CHEK2 is on the minus strand). VCF-style: chr22-28695867-C-T. GRCh37 (hg19) VCF-style: chr22-29091855-C-T.
Other names: c.1231G>A, p.Asp411Asn (NM_001005735.3); c.439G>A, p.Asp147Asn (NM_001257387.3); c.901G>A, p.Asp301Asn (NM_001349956.3); c.1015G>A, p.Asp339Asn (NM_145862.3); short protein forms D301N, D339N, D368N, D411N, D147N.
Identifiers: ClinVar variation 1493079 (VCV001493079.13), dbSNP rs755127902, ClinGen allele CA10167722.

ClinVar aggregate classification (germline): Conflicting classifications of pathogenicity. Review status: criteria provided, conflicting classifications (1 of 4 stars). 4 submissions from 4 submitters: Likely pathogenic (1); Uncertain significance (3). Last evaluated 2023-07-29.

Conditions:
Hereditary cancer-predisposing syndrome. Also called: Tumor predisposition; Hereditary neoplastic syndrome; Neoplastic Syndromes, Hereditary; Hereditary Cancer Syndrome. Identifiers: Orphanet 140162, MedGen C0027672, MeSH D009386, MONDO:0015356.
Familial cancer of breast. Also called: BREAST CANCER, FAMILIAL; Hereditary breast cancer; hereditary breast carcinoma. Identifiers: Orphanet 227535, MedGen C0346153, MONDO:0016419, OMIM 114480. Disease mechanism: loss of function.

Allele frequency attached by ClinVar (database versions not stated): gnomAD exomes below 0.00001; ExAC 0.00001.
gnomAD v4.1: 2 of 1,611,660 alleles (0.00012%); highest among the groups gnomAD compares: Non-Finnish European, 0.00017%; no homozygotes.

Submissions (4):

Labcorp Genetics (formerly Invitae), Labcorp
Classification: Uncertain significance for Familial cancer of breast. Last evaluated: 2023-07-29. Review status: criteria provided, single submitter. Criteria: Invitae Variant Classification Sherloc (09022015). Collection method: clinical testing. Allele origin: germline.
Comment: This sequence change replaces aspartic acid, which is acidic and polar, with asparagine, which is neutral and polar, at codon 368 of the CHEK2 protein (p.Asp368Asn). This variant is present in population databases (rs755127902, gnomAD 0.0009%). In summary, the available evidence is currently insufficient to determine the role of this variant in disease. Therefore, it has been classified as a Variant of Uncertain Significance. Experimental studies have shown that this missense change affects CHEK2 function (PMID: 11719428). An algorithm developed to predict the effect of missense changes on protein structure and function (PolyPhen-2) suggests that this variant is likely to be disruptive. ClinVar contains an entry for this variant (Variation ID: 1493079). This variant has not been reported in the literature in individuals affected with CHEK2-related conditions.

Myriad Genetics, Inc.
Classification: Likely pathogenic for Familial cancer of breast. Last evaluated: 2023-06-28. Review status: criteria provided, single submitter. Criteria: Myriad Autosomal Dominant, Autosomal Recessive and X-Linked Classification Criteria (2023). Collection method: clinical testing. Allele origin: unknown.
Comment: This variant is considered likely pathogenic. Functional studies indicate this variant impacts protein function [PMID: 11901158, 12805407, 18644861].

Ambry Genetics
Classification: Uncertain significance for Hereditary cancer-predisposing syndrome. Last evaluated: 2022-04-21. Review status: criteria provided, single submitter. Criteria: Ambry Variant Classification Scheme 2023. Collection method: clinical testing. Allele origin: germline.
Comment: The p.D368N variant (also known as c.1102G>A), located in coding exon 10 of the CHEK2 gene, results from a G to A substitution at nucleotide position 1102. The aspartic acid at codon 368 is replaced by asparagine, an amino acid with highly similar properties. Several studies have reported the p.D368N variant to have impaired CHEK2 autophosphorylation as assessed in vitro (Ahn JY et al. Cancer Res, 2000 Nov;60:5934-6, Lee SB et al. Cancer Res, 2001 Nov;61:8062-7, Ahn JY et al. J Biol Chem, 2002 May;277:19389-95, Schwarz JK et al. Mol Cancer Res, 2003 Jun;1:598-609, King JB et al. Rapid Commun Mass Spectrom, 2007;21:3443-51, Lovly CM et al. Mol Cell Biol, 2008 Oct;28:5874-85, Higashiguchi M et al. FEBS Lett, 2016 Dec;590:4275-4286). This amino acid position is highly conserved in available vertebrate species. In addition, the in silico prediction for this alteration is inconclusive. Since supporting evidence is limited at this time, the clinical significance of this alteration remains unclear.

GeneDx
Classification: Uncertain significance. Last evaluated: 2022-02-23. Review status: criteria provided, single submitter. Criteria: GeneDx Variant Classification Process June 2021. Collection method: clinical testing. Allele origin: germline. Affected: yes.
Comment: Not observed at significant frequency in large population cohorts (gnomAD); In silico analysis supports that this missense variant has a deleterious effect on protein structure/function; Published functional studies demonstrate that this variant failed to inhibit NF-kappaB and cytokine expression compared to wild-type, however the difference was not statistically significant (Xie 2022); This variant is associated with the following publications: (PMID: 16982735, 22419737, 19782031, 35075953)

Literature cited by the submitters: PubMed 11719428 (cited by Labcorp Genetics (formerly Invitae), Labcorp and Ambry Genetics); PubMed 11901158 (cited by Myriad Genetics, Inc. and Ambry Genetics); PubMed 12805407 (cited by Myriad Genetics, Inc. and Ambry Genetics); PubMed 18644861 (cited by Myriad Genetics, Inc. and Ambry Genetics); PubMed 11085506 (cited by Ambry Genetics); PubMed 17918214 (cited by Ambry Genetics); PubMed 27716909 (cited by Ambry Genetics).